The following is an entry in ClinVar:

ClinVar aggregate classification (germline): Pathogenic. Review status: criteria provided, single submitter (1 of 4 stars). 2 submissions from 2 submitters: Pathogenic (1). 1 of the submissions does not count toward it. Last evaluated 2022-08-31.

Conditions:
Mucolipidosis type IV (ML4). Also called: ML IV. Identifiers: Orphanet 578, MedGen C0238286, MONDO:0009653, OMIM 252650.

Submissions (2):

Labcorp Genetics (formerly Invitae), Labcorp
Classification: Pathogenic for Mucolipidosis type IV. Last evaluated: 2022-08-31. Review status: criteria provided, single submitter. Criteria: Invitae Variant Classification Sherloc (09022015). Collection method: clinical testing. Allele origin: germline.
Comment: For these reasons, this variant has been classified as Pathogenic. Algorithms developed to predict the effect of sequence changes on RNA splicing suggest that this variant may disrupt the consensus splice site. ClinVar contains an entry for this variant (Variation ID: 370398). Disruption of this splice site has been observed in individual(s) with Mucolipidosis IV (PMID: 33963976). It has also been observed to segregate with disease in related individuals. This variant is not present in population databases (gnomAD no frequency). This sequence change affects an acceptor splice site in intron 9 of the MCOLN1 gene. It is expected to disrupt RNA splicing. Variants that disrupt the donor or acceptor splice site typically lead to a loss of protein function (PMID: 16199547), and loss-of-function variants in MCOLN1 are known to be pathogenic (PMID: 11030752, 11317355).

Counsyl
Classification: Likely pathogenic for Mucolipidosis type IV. Last evaluated: 2016-02-01. Review status: no assertion criteria provided. Collection method: clinical testing. Allele origin: unknown. Not counted in ClinVar's aggregate classification.

Literature cited by the submitters: PubMed 33963976 (cited by Labcorp Genetics (formerly Invitae), Labcorp); PubMed 16199547 (cited by Labcorp Genetics (formerly Invitae), Labcorp); PubMed 11030752 (cited by Labcorp Genetics (formerly Invitae), Labcorp); PubMed 11317355 (cited by Labcorp Genetics (formerly Invitae), Labcorp).

NM_020533.3(MCOLN1):c.1135-1G>C

Gene: MCOLN1 (mucolipin TRP cation channel 1; plus strand). Cytogenetic location: 19p13.2.
Variant type: single nucleotide variant.
Coding change: c.1135-1G>C on transcript NM_020533.3 (MANE Select); the canonical splice acceptor site of the intron before coding-DNA position 1135, G replaced by C.
Molecular consequence: splice acceptor variant.
Genome position (GRCh38, 1-based): chr19:7,529,100, G>C. VCF-style: chr19-7529100-G-C. GRCh37 (hg19) VCF-style: chr19-7593986-G-C.
Identifiers: ClinVar variation 370398 (VCV000370398.8), dbSNP rs1057516458, ClinGen allele CA16041993.